The following is an entry in ClinVar:

NM_004082.5(DCTN1):c.2015+1G>C

Gene: DCTN1 (dynactin subunit 1; minus strand). Cytogenetic location: 2p13.1.
Variant type: single nucleotide variant.
Coding change: c.2015+1G>C on transcript NM_004082.5 (MANE Select); the canonical splice donor site of the intron after coding-DNA position 2015, G replaced by C.
Molecular consequence: splice donor variant.
Genome position (GRCh38, 1-based): chr2:74,367,970, C>G on the plus strand (G>C on the coding strand, the complement: DCTN1 is on the minus strand). VCF-style: chr2-74367970-C-G. GRCh37 (hg19) VCF-style: chr2-74595097-C-G.
Other names: c.1613+1G>C (NM_023019.4, NM_001135041.3); c.1904+1G>C (NM_001190836.2); c.1946+1G>C (NM_001378992.1); c.1964+1G>C (NM_001378991.1); c.1955+1G>C (NM_001135040.3); c.1994+1G>C (NM_001190837.2).
Identifiers: ClinVar variation 1494136 (VCV001494136.6), dbSNP rs2103632452, ClinGen allele CA347351652.

ClinVar aggregate classification (germline): Uncertain significance (1 of 4 stars; one submission).

Conditions:
Perry syndrome. Also called: PARKINSONISM WITH ALVEOLAR HYPOVENTILATION AND MENTAL DEPRESSION. Identifiers: Orphanet 178509, MedGen C1868594, MONDO:0008201, OMIM 168605.
Neuronopathy, distal hereditary motor, type 7B. Also called: HMN VIIB; Distal Hereditary Motor Neuronopathy Type 7B (dHMN7B); LOWER MOTOR NEURON DISEASE, DYNACTIN TYPE; NEURONOPATHY, DISTAL HEREDITARY MOTOR, AUTOSOMAL DOMINANT 14; NEURONOPATHY, DISTAL HEREDITARY MOTOR, HARDING TYPE VIIB; NEUROPATHY, DISTAL HEREDITARY MOTOR, HARDING TYPE VIIB. Identifiers: Orphanet 139589, MedGen C1843315, MONDO:0011879, OMIM 607641.
Amyotrophic lateral sclerosis type 1 (ALS1). Also called: AMYOTROPHIC LATERAL SCLEROSIS 1, FAMILIAL. Identifiers: Orphanet 803, MedGen C1862939, MONDO:0007103, OMIM 105400.

Submission:

Labcorp Genetics (formerly Invitae), Labcorp
Classification: Uncertain significance for Amyotrophic lateral sclerosis type 1; Neuronopathy, distal hereditary motor, type 7B; Perry syndrome. Last evaluated: 2021-10-27. Review status: criteria provided, single submitter. Criteria: Invitae Variant Classification Sherloc (09022015). Collection method: clinical testing. Allele origin: germline.
Comment: In summary, the available evidence is currently insufficient to determine the role of this variant in disease. Therefore, it has been classified as a Variant of Uncertain Significance. Algorithms developed to predict the effect of sequence changes on RNA splicing suggest that this variant may disrupt the consensus splice site. This variant has not been reported in the literature in individuals affected with DCTN1-related conditions. This variant is not present in population databases (gnomAD no frequency). This sequence change affects a donor splice site in intron 17 of the DCTN1 gene. It is expected to disrupt RNA splicing. Variants that disrupt the donor or acceptor splice site typically lead to a loss of protein function (PMID: 16199547), however the current clinical and genetic evidence is not sufficient to establish whether loss-of-function variants in DCTN1 cause disease.

Literature cited by the submitters: PubMed 16199547.